The following is an entry in ClinVar:

NM_001903.5(CTNNA1):c.582A>G (p.Arg194=)

Gene: CTNNA1 (catenin alpha 1; plus strand). Cytogenetic location: 5q31.2.
Variant type: single nucleotide variant.
Coding change: c.582A>G on transcript NM_001903.5 (MANE Select); coding-DNA position 582, A replaced by G.
Protein change: p.Arg194=; no amino-acid change (arginine 194 retained).
Molecular consequence: synonymous variant.
Genome position (GRCh38, 1-based): chr5:138,812,296, A>G. VCF-style: chr5-138812296-A-G. GRCh37 (hg19) VCF-style: chr5-138147985-A-G.
Other names: c.582A>G, p.Arg194= (NM_001290307.3, NM_001323982.2, NM_001323983.1 and 3 more transcripts); c.273A>G, p.Arg91= (NM_001290309.3); c.213A>G, p.Arg71= (NM_001290310.3).
Identifiers: ClinVar variation 1125551 (VCV001125551.12), dbSNP rs1176772714, ClinGen allele CA446591475.
Genomic context (GRCh38, chr5:138,812,296, plus strand): 5'-AATCCAGTATAAAGCCCTAAAACCTGAAGTGGATAAGCTGAACATTATGGCAGCCAAAAG[A>G]CAACAGGTACAGTCATGATTTGGGGATATATTAAAGTTGTTCATTTTACTATCTAGAGGG-3'
Protein context (NP_001894.2, residues 184-204): VDKLNIMAAK[Arg194=]QQELKDVGHR

ClinVar aggregate classification (germline): Benign/Likely benign. Review status: criteria provided, multiple submitters, no conflicts (2 of 4 stars). 3 submissions from 3 submitters: Benign (1); Likely benign (2). Last evaluated 2025-06-16.

Conditions:
Hereditary cancer-predisposing syndrome. Also called: Neoplastic Syndromes, Hereditary; Tumor predisposition; Hereditary Cancer Syndrome; Hereditary neoplastic syndrome. Identifiers: Orphanet 140162, MedGen C0027672, MeSH D009386, MONDO:0015356.
Hereditary diffuse gastric adenocarcinoma (HDGC). Also called: DIFFUSE GASTRIC AND LOBULAR BREAST CANCER SYNDROME. Identifiers: Orphanet 26106, MedGen C1708349, MONDO:0007648, OMIM 137215.

Allele frequency attached by ClinVar (database versions not stated): gnomAD exomes below 0.00001; gnomAD 0.00001.
gnomAD v4.1: 3 of 1,612,774 alleles (0.00019%); highest among the groups gnomAD compares: Admixed American, 0.005%; no homozygotes.

Submissions (3):

Labcorp Genetics (formerly Invitae), Labcorp
Classification: Likely benign. Last evaluated: 2025-06-16. Review status: criteria provided, single submitter. Criteria: Invitae Variant Classification Sherloc (09022015). Collection method: clinical testing. Allele origin: germline.

Myriad Genetics, Inc.
Classification: Benign for Hereditary diffuse gastric adenocarcinoma. Last evaluated: 2024-10-10. Review status: criteria provided, single submitter. Criteria: Myriad Autosomal Dominant, Autosomal Recessive and X-Linked Classification Criteria (2023). Collection method: clinical testing. Allele origin: unknown.
Comment: This variant is considered benign. This variant is a silent/synonymous amino acid change and it is not expected to impact splicing.

Ambry Genetics
Classification: Likely benign for Hereditary cancer-predisposing syndrome. Last evaluated: 2022-05-13. Review status: criteria provided, single submitter. Criteria: Ambry Variant Classification Scheme 2023. Collection method: clinical testing. Allele origin: germline.